The following is an entry in ClinVar:

ClinVar aggregate classification (germline): Pathogenic (1 of 4 stars; one submission).

Submission:

Labcorp Genetics (formerly Invitae), Labcorp
Classification: Pathogenic. Last evaluated: 2024-05-06. Review status: criteria provided, single submitter. Criteria: Invitae Variant Classification Sherloc (09022015). Collection method: clinical testing. Allele origin: germline.
Comment: This sequence change creates a premature translational stop signal (p.Met91Serfs*10) in the LZTR1 gene. It is expected to result in an absent or disrupted protein product. Loss-of-function variants in LZTR1 are known to be pathogenic (PMID: 24362817, 25335493, 25480913, 25795793, 29469822, 30368668, 30442762, 30442766, 30481304, 30859559). This variant is not present in population databases (gnomAD no frequency). This variant has not been reported in the literature in individuals affected with LZTR1-related conditions. For these reasons, this variant has been classified as Pathogenic.

Literature cited by the submitters: PubMed 24362817; PubMed 25335493; PubMed 25480913; PubMed 25795793; PubMed 29469822; PubMed 30368668; PubMed 30442762; PubMed 30442766; PubMed 30481304; PubMed 30859559.

NM_006767.4(LZTR1):c.272del (p.Met91fs)

Gene: LZTR1 (leucine zipper like post translational regulator 1; plus strand). Cytogenetic location: 22q11.21.
Variant type: Deletion.
Coding change: c.272del on transcript NM_006767.4 (MANE Select); coding-DNA position 272, one base deleted (T; older notation c.272delT).
Protein change: p.Met91fs; shifts the reading frame from methionine 91.
Molecular consequence: frameshift variant.
Genome position (GRCh38, 1-based): chr22:20,985,849, T deleted. VCF-style (leftmost placement, unchanged base first): chr22-20985848-AT-A. GRCh37 (hg19) VCF-style: chr22-21340137-AT-A.
Other names: short protein forms M91fs.
Identifiers: ClinVar variation 3647777 (VCV003647777.2).
Genomic context (GRCh38, chr22:20,985,848, plus strand): 5'-TCACTGCAGAGTAGACCTGGCTAATGCCACCCTCTCTTCCGGCTGCCTTTCAGGAAGACC[AT>A]GCTCAATGACCTCCTGCGGTTCGATGTGAAAGACTGCTCCTGGTGCAGGTGGGTGGCCCC-3'